The following is an entry in ClinVar:

NM_021813.4(BACH2):c.2281G>A (p.Ala761Thr)

Gene: BACH2 (BACH transcriptional regulator 2; minus strand). Cytogenetic location: 6q15.
Variant type: single nucleotide variant.
Coding change: c.2281G>A on transcript NM_021813.4 (MANE Select); coding-DNA position 2281, G replaced by A.
Protein change: p.Ala761Thr; replaces alanine 761 with threonine.
Molecular consequence: missense variant.
Genome position (GRCh38, 1-based): chr6:89,932,653, C>T on the plus strand (G>A on the coding strand, the complement: BACH2 is on the minus strand). VCF-style: chr6-89932653-C-T. GRCh37 (hg19) VCF-style: chr6-90642372-C-T.
Other names: c.2281G>A, p.Ala761Thr (NM_001170794.2); short protein forms A761T.
Identifiers: ClinVar variation 1357844 (VCV001357844.7), dbSNP rs374620073, ClinGen allele CA3927828.

ClinVar aggregate classification (germline): Uncertain significance (1 of 4 stars; one submission).

Allele frequency attached by ClinVar (database versions not stated): ESP Exome Variant Server 0.00008; 1000 Genomes Project 30x 0.00016; 1000 Genomes Project 0.00020.
gnomAD v4.1: 19 of 1,614,138 alleles (0.0012%); highest among the groups gnomAD compares: East Asian, 0.0067%; no homozygotes.

Submission:

Labcorp Genetics (formerly Invitae), Labcorp
Classification: Uncertain significance. Last evaluated: 2024-07-20. Review status: criteria provided, single submitter. Criteria: Invitae Variant Classification Sherloc (09022015). Collection method: clinical testing. Allele origin: germline.
Comment: This sequence change replaces alanine, which is neutral and non-polar, with threonine, which is neutral and polar, at codon 761 of the BACH2 protein (p.Ala761Thr). This variant is present in population databases (rs374620073, gnomAD 0.02%). This variant has not been reported in the literature in individuals affected with BACH2-related conditions. ClinVar contains an entry for this variant (Variation ID: 1357844). An algorithm developed to predict the effect of missense changes on protein structure and function outputs the following: PolyPhen-2: "Benign". The threonine amino acid residue is found in multiple mammalian species, which suggests that this missense change does not adversely affect protein function. In summary, the available evidence is currently insufficient to determine the role of this variant in disease. Therefore, it has been classified as a Variant of Uncertain Significance.